The following is an entry in ClinVar:

ClinVar aggregate classification (germline): Uncertain significance (1 of 4 stars; one submission).

Conditions:
Hereditary cancer-predisposing syndrome. Also called: Tumor predisposition; Hereditary neoplastic syndrome; Hereditary Cancer Syndrome; Neoplastic Syndromes, Hereditary. Identifiers: Orphanet 140162, MedGen C0027672, MeSH D009386, MONDO:0015356.

gnomAD v4.1: 3 of 1,614,154 alleles (0.00019%); highest among the groups gnomAD compares: Non-Finnish European, 0.00025%; no homozygotes.

Submission:

Ambry Genetics
Classification: Uncertain significance for Hereditary cancer-predisposing syndrome. Last evaluated: 2025-04-28. Review status: criteria provided, single submitter. Criteria: Ambry Variant Classification Scheme 2023. Collection method: clinical testing. Allele origin: germline.
Comment: The p.E583G variant (also known as c.1748A>G), located in coding exon 16 of the POLE gene, results from an A to G substitution at nucleotide position 1748. The glutamic acid at codon 583 is replaced by glycine, an amino acid with similar properties. This amino acid position is conserved. In addition, the in silico prediction for this alteration is inconclusive. Based on the available evidence, the clinical significance of this variant remains unclear.

NM_006231.4(POLE):c.1748A>G (p.Glu583Gly)

Gene: POLE (DNA polymerase epsilon, catalytic subunit; minus strand). Cytogenetic location: 12q24.33.
Variant type: single nucleotide variant.
Coding change: c.1748A>G on transcript NM_006231.4 (MANE Select); coding-DNA position 1748, A replaced by G.
Protein change: p.Glu583Gly; replaces glutamic acid 583 with glycine.
Molecular consequence: missense variant.
Genome position (GRCh38, 1-based): chr12:132,672,261, T>C on the plus strand (A>G on the coding strand, the complement: POLE is on the minus strand). VCF-style: chr12-132672261-T-C. GRCh37 (hg19) VCF-style: chr12-133248847-T-C.
Other names: short protein forms E583G.
Identifiers: ClinVar variation 3935749 (VCV003935749.1).